The following is an entry in ClinVar:

NM_001035.3(RYR2):c.12263del (p.His4088fs)

Gene: RYR2 (ryanodine receptor 2; plus strand). Cytogenetic location: 1q43.
Variant type: Deletion.
Coding change: c.12263del on transcript NM_001035.3 (MANE Select); coding-DNA position 12263, one base deleted (A; older notation c.12263delA).
Protein change: p.His4088fs; shifts the reading frame from histidine 4088.
Molecular consequence: frameshift variant.
Genome position (GRCh38, 1-based): chr1:237,783,975, A deleted. VCF-style (leftmost placement, unchanged base first): chr1-237783974-CA-C. GRCh37 (hg19) VCF-style: chr1-237947274-CA-C.
Other names: short protein forms H4088fs.
Identifiers: ClinVar variation 4722298 (VCV004722298.1).
Genomic context (GRCh38, chr1:237,783,974, plus strand): 5'-TCTTGTGCGGAGACGGATGAGAATGAAACCCTCGACTACGAAGAGTTCGTCAAACGCTTC[CA>C]CGAACCTGCGAAGGACATCGGCTTCAACGTCGCCGTCCTTCTGACAAACCTCTCTGAGCA-3'

ClinVar aggregate classification (germline): Uncertain significance (1 of 4 stars; one submission).

Conditions:
Catecholaminergic polymorphic ventricular tachycardia 1. Also called: RYR2-Related Catecholaminergic Polymorphic Ventricular Tachycardia; VENTRICULAR TACHYCARDIA, STRESS-INDUCED POLYMORPHIC 1; VENTRICULAR TACHYCARDIA, CATECHOLAMINERGIC POLYMORPHIC, 1, WITH OR WITHOUT ATRIAL DYSFUNCTION AND/OR DILATED CARDIOMYOPATHY. Identifiers: Orphanet 3286, MedGen C1631597, MONDO:0011484, OMIM 604772.

Submission:

Labcorp Genetics (formerly Invitae), Labcorp
Classification: Uncertain significance for Catecholaminergic polymorphic ventricular tachycardia 1. Last evaluated: 2025-06-29. Review status: criteria provided, single submitter. Criteria: Invitae Variant Classification Sherloc (09022015). Collection method: clinical testing. Allele origin: germline.
Comment: This sequence change creates a premature translational stop signal (p.His4088Profs*15) in the RYR2 gene. It is expected to result in an absent or disrupted protein product. However, the current clinical and genetic evidence is not sufficient to establish whether loss-of-function variants in RYR2 cause disease. This variant is not present in population databases (gnomAD no frequency). This variant has not been reported in the literature in individuals affected with RYR2-related conditions. In summary, the available evidence is currently insufficient to determine the role of this variant in disease. Therefore, it has been classified as a Variant of Uncertain Significance.